The following is an entry in ClinVar:

NM_001430.5(EPAS1):c.427A>C (p.Ile143Leu)

Gene: EPAS1 (endothelial PAS domain protein 1; plus strand). Cytogenetic location: 2p21.
Variant type: single nucleotide variant.
Coding change: c.427A>C on transcript NM_001430.5 (MANE Select); coding-DNA position 427, A replaced by C.
Protein change: p.Ile143Leu; replaces isoleucine 143 with leucine.
Molecular consequence: missense variant.
Genome position (GRCh38, 1-based): chr2:46,356,781, A>C. VCF-style: chr2-46356781-A-C. GRCh37 (hg19) VCF-style: chr2-46583920-A-C.
Other names: short protein forms I143L.
Identifiers: ClinVar variation 1739320 (VCV001739320.2), dbSNP rs2546451137, ClinGen allele CA346698288.

ClinVar aggregate classification (germline): Uncertain significance (1 of 4 stars; one submission).

Conditions:
Inborn genetic diseases. Identifiers: MedGen C0950123, MeSH D030342.

Submission:

Ambry Genetics
Classification: Uncertain significance for Inborn genetic diseases. Last evaluated: 2021-12-15. Review status: criteria provided, single submitter. Criteria: Ambry Variant Classification Scheme 2023. Collection method: clinical testing. Allele origin: germline.
Comment: The p.I143L variant (also known as c.427A>C), located in coding exon 4 of the EPAS1 gene, results from an A to C substitution at nucleotide position 427. The isoleucine at codon 143 is replaced by leucine, an amino acid with highly similar properties. This amino acid position is conserved. In addition, this alteration is predicted to be tolerated by in silico analysis. Since supporting evidence is limited at this time, the clinical significance of this alteration remains unclear.